The following is an entry in ClinVar:

NM_018965.4(TREM2):c.482+2T>C

Gene: TREM2 (triggering receptor expressed on myeloid cells 2; minus strand). Cytogenetic location: 6p21.1.
Variant type: single nucleotide variant.
Coding change: c.482+2T>C on transcript NM_018965.4 (MANE Select); the canonical splice donor site of the intron after coding-DNA position 482, T replaced by C.
Molecular consequence: splice donor variant.
Genome position (GRCh38, 1-based): chr6:41,159,790, A>G on the plus strand (T>C on the coding strand, the complement: TREM2 is on the minus strand). VCF-style: chr6-41159790-A-G. GRCh37 (hg19) VCF-style: chr6-41127528-A-G.
Other names: IVS3, T-C, +2; c.482+2T>C (NM_001271821.2).
Identifiers: ClinVar variation 56725 (VCV000056725.3), dbSNP rs386834144, ClinGen allele CA264200.

ClinVar aggregate classification (germline): Pathogenic/Likely pathogenic. Review status: no assertion criteria provided (0 of 4 stars). 2 submissions from 2 submitters: Pathogenic (1); Likely pathogenic (1). Last evaluated 2002-09-01.

Conditions:
Polycystic lipomembranous osteodysplasia with sclerosing leukoencephalopathy 2. Also called: TREM2-Related Polycystic Lipomembranous Osteodysplasia with Sclerosing Leukoencephalopathy. Identifiers: MedGen C4748657, MONDO:0020750, OMIM 618193.
Polycystic lipomembranous osteodysplasia with sclerosing leukoencephalopathy 1 (PLOSL1). Also called: TYROBP-Related Polycystic Lipomembranous Osteodysplasia with Sclerosing Leukoencephalopathy. Identifiers: Orphanet 2770, MedGen C4721893, MONDO:0020749, OMIM 221770.

Allele frequency attached by ClinVar (database versions not stated): gnomAD exomes 0.00001; TOPMed below 0.00001; ExAC 0.00002.
gnomAD v4.1: 12 of 1,613,928 alleles (0.00074%); highest among the groups gnomAD compares: Non-Finnish European, 0.001%; no homozygotes.

Submissions (2):

OMIM
Classification: Pathogenic for POLYCYSTIC LIPOMEMBRANOUS OSTEODYSPLASIA WITH SCLEROSING LEUKOENCEPHALOPATHY 2. Last evaluated: 2002-09-01. Review status: no assertion criteria provided. Collection method: literature only. Allele origin: germline.

Juha Muilu Group; Institute for Molecular Medicine Finland (FIMM)
Classification: Likely pathogenic for Polycystic lipomembranous osteodysplasia with sclerosing leukoencephalopathy. Review status: no assertion criteria provided. Collection method: not provided. Allele origin: unknown.
Comment: FinDis database variant: This variant was not found or characterized by our laboratory, data were collected from public sources: see reference
ClinVar note: Converted during submission from probable-pathogenic to Likely pathogenic.

Literature cited by the submitters: PubMed 12080485 (cited by OMIM).